The following is an entry in ClinVar:

ClinVar aggregate classification (germline): Pathogenic (1 of 4 stars; one submission).

Submission:

Labcorp Genetics (formerly Invitae), Labcorp
Classification: Pathogenic. Last evaluated: 2023-09-11. Review status: criteria provided, single submitter. Criteria: Invitae Variant Classification Sherloc (09022015). Collection method: clinical testing. Allele origin: germline.
Comment: This sequence change creates a premature translational stop signal (p.Ile461_Lys463delinsCysCys*) in the GALNT3 gene. It is expected to result in an absent or disrupted protein product. Loss-of-function variants in GALNT3 are known to be pathogenic (PMID: 15133511, 20358599). This variant is not present in population databases (gnomAD no frequency). This variant has not been reported in the literature in individuals affected with GALNT3-related conditions. For these reasons, this variant has been classified as Pathogenic.

Literature cited by the submitters: PubMed 15133511; PubMed 20358599.

NM_004482.4(GALNT3):c.1381_1387delinsTGTTGCTGAGTAAGAGGTAGCAGTGAGTGAGCTCTTATGTCTTCCTCATCAATCATTACTTAAAAATCGTAAAGCATGGTTAGGAGAAGACATTTAAGTTTACTCCAATGGGAGAGGACACAAAGTACTCCCCCCGACCCCAAAAATCTTGACTTTGAAGATAGCATTTCTAGTTTTTATTAATCTGAATAAAAGCTTTGAAAATGTGATATGGCTTTAATTTTTTAACTTCAGTTCTTAAAATATGCTGTTTTATCTTGTTTAGTTTTTATAACAAAATTTGACAATGGATTATTTTTCAGAACACCCACTTTTGCAGGAGGACTTTTTTCCATATCAAAAGAATATTTTGAGTATATTGGAAGCTATGATGAAGAAATGGAAATCTGGGGAGGTGAAAATATAGAAATGTCTTTCAGAGTAAGTTTATGGAAATTAAATATAGCAGATATATTAAACAATGAAATATATTGTGTTCTAATCGGCTGGTACATATGATTACAGATGTGTGCACTCTACTTTTTGTGCTTTCTGAAACTTAATTGCTGGAAATTTTGGAATAAGAATATTTTCTTTTAATATGTAACTTAATATATTTATTCATTGTCGCCAGTGTAACAAGAGGAATCAGTTAAACTCCTGTGTCCAGGCAGTAACACCAATTAATGCACTTGTAGCTACTGAATTCCAGCCAAGATAAATATAATTAAATCTAGTGCTTCAGGAAATGAGTTGATCATCAAGGGAGTTAGAATGGAAAAACATTTATGAATAATTTTAAAGGACATTGGACTTAACTGTTTGGACTTACTTT (p.Ile461_Lys463delinsCysCysTer)

Gene: GALNT3 (polypeptide N-acetylgalactosaminyltransferase 3; minus strand). Cytogenetic location: 2q24.3.
Variant type: Indel.
Coding change: c.1381_1387delinsTGTTGCTGAGTAAGAGGTAGCAGTGAGTGAGCTCTTATGTCTTCCTCATCAATCATTACTTAAAAATCGTAAAGCATGGTTAGGAGAAGACATTTAAGTTTACTCCAATGGGAGAGGACACAAAGTACTCCCCCCGACCCCAAAAATCTTGACTTTGAAGATAGCATTTCTAGTTTTTATTAATCTGAATAAAAGCTTTGAAAATGTGATATGGCTTTAATTTTTTAACTTCAGTTCTTAAAATATGCTGTTTTATCTTGTTTAGTTTTTATAACAAAATTTGACAATGGATTATTTTTCAGAACACCCACTTTTGCAGGAGGACTTTTTTCCATATCAAAAGAATATTTTGAGTATATTGGAAGCTATGATGAAGAAATGGAAATCTGGGGAGGTGAAAATATAGAAATGTCTTTCAGAGTAAGTTTATGGAAATTAAATATAGCAGATATATTAAACAATGAAATATATTGTGTTCTAATCGGCTGGTACATATGATTACAGATGTGTGCACTCTACTTTTTGTGCTTTCTGAAACTTAATTGCTGGAAATTTTGGAATAAGAATATTTTCTTTTAATATGTAACTTAATATATTTATTCATTGTCGCCAGTGTAACAAGAGGAATCAGTTAAACTCCTGTGTCCAGGCAGTAACACCAATTAATGCACTTGTAGCTACTGAATTCCAGCCAAGATAAATATAATTAAATCTAGTGCTTCAGGAAATGAGTTGATCATCAAGGGAGTTAGAATGGAAAAACATTTATGAATAATTTTAAAGGACATTGGACTTAACTGTTTGGACTTACTTT on transcript NM_004482.4 (MANE Select); coding-DNA positions 1381 to 1387, the reference bases replaced by an inserted sequence.
Protein change: p.Ile461_Lys463delinsCysCysTer.
Molecular consequence: nonsense.
Genome position (GRCh38, 1-based): chr2:165,757,052-165,757,058, 7 bases replaced. GRCh37 (hg19): chr2:166,613,562-166,613,568.
Identifiers: ClinVar variation 2760117 (VCV002760117.3), dbSNP rs2467866387, ClinGen allele CA2697551242.